The following is an entry in ClinVar:

NM_213599.3(ANO5):c.40G>A (p.Gly14Arg)

Gene: ANO5 (anoctamin 5; plus strand). Cytogenetic location: 11p14.3.
Variant type: single nucleotide variant.
Coding change: c.40G>A on transcript NM_213599.3 (MANE Select); coding-DNA position 40, G replaced by A.
Protein change: p.Gly14Arg; replaces glycine 14 with arginine.
Molecular consequence: missense variant.
Genome position (GRCh38, 1-based): chr11:22,193,532, G>A. VCF-style: chr11-22193532-G-A. GRCh37 (hg19) VCF-style: chr11-22215078-G-A.
Other names: c.40G>A, p.Gly14Arg (NM_001142649.2, NM_001410963.1, NM_001410964.1); short protein forms G14R.
Identifiers: ClinVar variation 1709978 (VCV001709978.8), dbSNP rs2494716427, ClinGen allele CA379921954.
Genomic context (GRCh38, chr11:22,193,532, plus strand): 5'-GCCATTAACGAGCTGGCGAAGATGGGCGACCCGGATCTCCTGGAAGTGTTGGCGGAGGAA[G>A]GTAGGACCGCGCCAAGAGGCGTCAAGGGAGAGCCAGGCTGGCTGCCTGCACCCCTCCACC-3'
Protein context (NP_998764.1, residues 4-24): PDLLEVLAEE[Gly14Arg]EKVNKHIDYS

ClinVar aggregate classification (germline): Conflicting classifications of pathogenicity. Review status: criteria provided, conflicting classifications (1 of 4 stars). 3 submissions from 3 submitters: Pathogenic (1); Uncertain significance (2). Last evaluated 2023-06-08.

Conditions:
Gnathodiaphyseal dysplasia (GDD). Also called: GNATHODIAPHYSEAL SCLEROSIS; OSTEOGENESIS IMPERFECTA WITH UNUSUAL SKELETAL LESIONS. Identifiers: Orphanet 53697, MedGen C1833736, MONDO:0008151, OMIM 166260.
Autosomal recessive limb-girdle muscular dystrophy type 2L (LGMDR12). Also called: Limb-girdle muscular dystrophy, type 2L; MUSCULAR DYSTROPHY, LIMB-GIRDLE, AUTOSOMAL RECESSIVE 12; Limb-Girdle Muscular Dystrophy R12 Anoctamin-5-Related (LGMD-R12). Identifiers: Orphanet 206549, MedGen C1969785, MONDO:0012652, OMIM 611307.

Submissions (3):

Labcorp Genetics (formerly Invitae), Labcorp
Classification: Uncertain significance for Autosomal recessive limb-girdle muscular dystrophy type 2L; Gnathodiaphyseal dysplasia. Last evaluated: 2023-06-08. Review status: criteria provided, single submitter. Criteria: Invitae Variant Classification Sherloc (09022015). Collection method: clinical testing. Allele origin: germline.
Comment: An algorithm developed to predict the effect of missense changes on protein structure and function (PolyPhen-2) suggests that this variant is likely to be tolerated. In summary, the available evidence is currently insufficient to determine the role of this variant in disease. Therefore, it has been classified as a Variant of Uncertain Significance. Variants that disrupt the consensus splice site are a relatively common cause of aberrant splicing (PMID: 17576681, 9536098). Algorithms developed to predict the effect of sequence changes on RNA splicing suggest that this variant may disrupt the consensus splice site. ClinVar contains an entry for this variant (Variation ID: 1709978). This variant has not been reported in the literature in individuals affected with ANO5-related conditions. This variant is not present in population databases (gnomAD no frequency). This sequence change replaces glycine, which is neutral and non-polar, with arginine, which is basic and polar, at codon 14 of the ANO5 protein (p.Gly14Arg). This variant also falls at the last nucleotide of exon 1, which is part of the consensus splice site for this exon.

MGZ Medical Genetics Center
Classification: Pathogenic for Autosomal recessive limb-girdle muscular dystrophy type 2L. Last evaluated: 2021-09-28. Review status: criteria provided, single submitter. Criteria: ACMG Guidelines, 2015. Collection method: clinical testing. Allele origin: germline. Affected: yes. Observed: 1 variant allele.
Comment: ACMG criteria applied: PVS1, PM3, PM2_SUP

Revvity Omics, Revvity
Classification: Uncertain significance. Last evaluated: 2020-03-10. Review status: criteria provided, single submitter. Criteria: ACMG Guidelines, 2015. Collection method: clinical testing. Allele origin: germline.

Literature cited by the submitters: PubMed 17576681 (cited by Labcorp Genetics (formerly Invitae), Labcorp); PubMed 9536098 (cited by Labcorp Genetics (formerly Invitae), Labcorp).